The following is an entry in ClinVar:

NM_000260.4(MYO7A):c.3041C>T (p.Thr1014Met)

Gene: MYO7A (myosin VIIA; plus strand). Cytogenetic location: 11q13.5.
Variant type: single nucleotide variant.
Coding change: c.3041C>T on transcript NM_000260.4 (MANE Select); coding-DNA position 3041, C replaced by T.
Protein change: p.Thr1014Met; replaces threonine 1014 with methionine.
Molecular consequence: missense variant.
Genome position (GRCh38, 1-based): chr11:77,182,087, C>T. VCF-style: chr11-77182087-C-T. GRCh37 (hg19) VCF-style: chr11-76893133-C-T.
Other names: c.3041C>T, p.Thr1014Met (NM_001127180.2); c.3008C>T, p.Thr1003Met (NM_001369365.1); c.3041C>T (NM_000260.3); short protein forms T1003M, T1014M.
Identifiers: ClinVar variation 1402203 (VCV001402203.7), dbSNP rs1373846137, ClinGen allele CA381944184.

ClinVar aggregate classification (germline): Uncertain significance. Review status: criteria provided, multiple submitters, no conflicts (2 of 4 stars). 3 submissions from 3 submitters: Uncertain significance (3). Last evaluated 2025-03-20.

Allele frequency attached by ClinVar (database versions not stated): gnomAD 0.00001; gnomAD exomes 0.00001; TOPMed 0.00002.
gnomAD v4.1: 18 of 1,613,280 alleles (0.0011%); highest among the groups gnomAD compares: African/African-American, 0.0027%; no homozygotes.

Submissions (3):

Revvity Omics, Revvity
Classification: Uncertain significance. Last evaluated: 2025-03-20. Review status: criteria provided, single submitter. Criteria: ACMG Guidelines, 2015. Collection method: clinical testing. Allele origin: germline.

GeneDx
Classification: Uncertain significance. Last evaluated: 2024-02-20. Review status: criteria provided, single submitter. Criteria: GeneDx Variant Classification Process June 2021. Collection method: clinical testing. Allele origin: germline.
Comment: Identified without a second MYO7A variant in a patient with auditory neuropathy who was found to have a different etiology for disease (PMID: 38027523); Not observed at significant frequency in large population cohorts (gnomAD); In silico analysis supports that this missense variant has a deleterious effect on protein structure/function; This variant is associated with the following publications: (PMID: 38027523)

Labcorp Genetics (formerly Invitae), Labcorp
Classification: Uncertain significance. Last evaluated: 2021-08-30. Review status: criteria provided, single submitter. Criteria: Invitae Variant Classification Sherloc (09022015). Collection method: clinical testing. Allele origin: germline.
Comment: This sequence change replaces threonine with methionine at codon 1014 of the MYO7A protein (p.Thr1014Met). The threonine residue is highly conserved and there is a moderate physicochemical difference between threonine and methionine. This variant is not present in population databases (ExAC no frequency). This variant has not been reported in the literature in individuals affected with MYO7A-related conditions. Algorithms developed to predict the effect of missense changes on protein structure and function are either unavailable or do not agree on the potential impact of this missense change (SIFT: "Deleterious"; PolyPhen-2: "Benign"; Align-GVGD: "Class C0"). In summary, the available evidence is currently insufficient to determine the role of this variant in disease. Therefore, it has been classified as a Variant of Uncertain Significance.